The following is an entry in ClinVar:

ClinVar aggregate classification (germline): Benign. Review status: criteria provided, multiple submitters, no conflicts (2 of 4 stars). 3 submissions from 3 submitters: Benign (3). Last evaluated 2018-06-16.

Conditions:
Amish lethal microcephaly (MCPHA). Also called: THIAMINE METABOLISM DYSFUNCTION SYNDROME 3 (MICROCEPHALY TYPE); MICROCEPHALY, AMISH TYPE. Identifiers: Orphanet 99742, MedGen C1846648, MONDO:0011790, OMIM 607196.

Allele frequency attached by ClinVar (database versions not stated): TOPMed 0.51976; 1000 Genomes Project 30x 0.52139; gnomAD 0.53096 and 0.54110; 1000 Genomes Project 0.53654; gnomAD exomes 0.67525.
gnomAD v4.1: 300,833 of 476,366 alleles (63%); highest among the groups gnomAD compares: East Asian, 87%; 103,331 homozygotes.

Submissions (3):

GeneDx
Classification: Benign. Last evaluated: 2018-06-16. Review status: criteria provided, single submitter. Criteria: GeneDx Variant Classification Process June 2021. Collection method: clinical testing. Allele origin: germline. Affected: yes.

Illumina Laboratory Services, Illumina
Classification: Benign for Amish lethal microcephaly. Last evaluated: 2018-01-13. Review status: criteria provided, single submitter. Criteria: ICSL Variant Classification Criteria 13 December 2019. Collection method: clinical testing. Allele origin: germline.
Comment: This variant was observed in the ICSL laboratory as part of a predisposition screen in an ostensibly healthy population. It had not been previously curated by ICSL or reported in the Human Gene Mutation Database (HGMD: prior to June 1st, 2018), and was therefore a candidate for classification through an automated scoring system. Utilizing variant allele frequency, disease prevalence and penetrance estimates, and inheritance mode, an automated score was calculated to assess if this variant is too frequent to cause the disease. Based on the score and internal cut-off values, a variant classified as benign is not then subjected to further curation. The score for this variant resulted in a classification of benign for this disease.

Breakthrough Genomics
Classification: Benign. Review status: criteria provided, single submitter. Criteria: ACMG Guidelines, 2015. Collection method: not provided. Allele origin: germline. Inheritance: Autosomal recessive inheritance. Affected: yes.

NM_001126121.2(SLC25A19):c.*274C>G

Genes: MIF4GD-DT (MIF4GD divergent transcript; plus strand), SLC25A19 (solute carrier family 25 member 19; minus strand). Cytogenetic location: 17q25.1.
Variant type: single nucleotide variant.
Coding change: c.*274C>G on transcript NM_001126121.2 (MANE Select); 274 bases downstream of the stop codon, C replaced by G.
Molecular consequence: 3 prime UTR variant. On other transcripts: non-coding transcript variant (1).
Genome position (GRCh38, 1-based): chr17:75,273,177, G>C on the plus strand (C>G on the coding strand, the complement: SLC25A19 is on the minus strand). VCF-style: chr17-75273177-G-C. GRCh37 (hg19) VCF-style: chr17-73269258-G-C.
Other names: c.*274C>G (NM_001126122.2, NM_021734.5).
Identifiers: ClinVar variation 325062 (VCV000325062.9), dbSNP rs7198, ClinGen allele CA10650088.